The following is an entry in ClinVar:

ClinVar aggregate classification (germline): Uncertain significance. Review status: criteria provided, multiple submitters, no conflicts (2 of 4 stars). 2 submissions from 2 submitters: Uncertain significance (2). Last evaluated 2026-03-01.

Submissions (2):

CeGaT Center for Human Genetics Tuebingen
Classification: Uncertain significance. Last evaluated: 2026-03-01. Review status: criteria provided, single submitter. Criteria: CeGaT Center For Human Genetics Tuebingen Variant Classification Criteria Version 2. Collection method: clinical testing. Allele origin: germline. Affected: yes. Observed: 1 variant allele.
Comment: CACNA1E: PM2, PM4:Supporting

Labcorp Genetics (formerly Invitae), Labcorp
Classification: Uncertain significance. Last evaluated: 2021-10-12. Review status: criteria provided, single submitter. Criteria: Invitae Variant Classification Sherloc (09022015). Collection method: clinical testing. Allele origin: germline.
Comment: This variant, c.1212_1214dup, results in the insertion of 1 amino acid(s) to the CACNA1E protein (p.Ser405dup), but otherwise preserves the integrity of the reading frame. This variant is not present in population databases (ExAC no frequency). In summary, the available evidence is currently insufficient to determine the role of this variant in disease. Therefore, it has been classified as a Variant of Uncertain Significance. Experimental studies and prediction algorithms are not available or were not evaluated, and the functional significance of this variant is currently unknown. This variant has not been reported in the literature in individuals affected with CACNA1E-related conditions.

NM_001205293.3(CACNA1E):c.1212_1214dup (p.Ser405dup)

Gene: CACNA1E (calcium voltage-gated channel subunit alpha1 E; plus strand). Cytogenetic location: 1q25.3.
Variant type: Duplication.
Coding change: c.1212_1214dup on transcript NM_001205293.3 (MANE Select); coding-DNA positions 1212 to 1214, 3 bases duplicated (ATC; older notation c.1212_1214dupATC).
Protein change: p.Ser405dup; duplicates serine 405.
Molecular consequence: inframe insertion.
Genome position (GRCh38, 1-based): chr1:181,715,378-181,715,380, ATC duplicated; duplicating any 3 consecutive bases within chr1:181,715,377-181,715,380 gives the same sequence; the c. name uses the placement nearest the transcript's 3' end. VCF-style (leftmost placement, unchanged base first): chr1-181715376-A-ACAT. GRCh37 (hg19) VCF-style: chr1-181684512-A-ACAT.
Other names: c.1212_1214dup, p.Ser405dup (NM_000721.4, NM_001205294.2).
Identifiers: ClinVar variation 1370532 (VCV001370532.10), dbSNP rs2102451269, ClinGen allele CA2573131289.
Genomic context (GRCh38, chr1:181,715,376, plus strand): 5'-CAAACCATTTGTTTCCATATAGAGGAAGTCATGCTCGCTGAAGAAAATAAAAATGCTGGA[A>ACAT]CATCCGCCTTAGAAGGTAAGGAAATGTTCTGATGCCTTATTCCAGTTGCATTTGCCCCTC-3'